The following is an entry in ClinVar:

NM_000079.4(CHRNA1):c.1003G>T (p.Val335Phe)

Gene: CHRNA1 (cholinergic receptor nicotinic alpha 1 subunit; minus strand). Cytogenetic location: 2q31.1.
Variant type: single nucleotide variant.
Coding change: c.1003G>T on transcript NM_000079.4 (MANE Select); coding-DNA position 1003, G replaced by T.
Protein change: p.Val335Phe; replaces valine 335 with phenylalanine.
Molecular consequence: missense variant.
Genome position (GRCh38, 1-based): chr2:174,748,819, C>A on the plus strand (G>T on the coding strand, the complement: CHRNA1 is on the minus strand). VCF-style: chr2-174748819-C-A. GRCh37 (hg19) VCF-style: chr2-175613547-C-A.
Other names: c.1078G>T, p.Val360Phe (NM_001039523.3); short protein forms V335F, V360F.
Identifiers: ClinVar variation 2584890 (VCV002584890.2), dbSNP rs781558501, ClinGen allele CA1974384.

ClinVar aggregate classification (germline): Uncertain significance. Review status: criteria provided, multiple submitters, no conflicts (2 of 4 stars). 2 submissions from 2 submitters: Uncertain significance (2). Last evaluated 2025-03-05.

Conditions:
Lethal multiple pterygium syndrome (LMPS). Identifiers: Orphanet 33108, MedGen C1854678, MONDO:0009668, OMIM 253290.
Myasthenic syndrome, congenital, 1A, slow-channel. Also called: CMS IIa; MYASTHENIC SYNDROME, CONGENITAL, TYPE IIa; Congenital myasthenic syndrome 1A. Identifiers: MedGen C2931107, MONDO:0011088, OMIM 601462.

gnomAD v4.1: 1 of 1,613,894 alleles (0.000062%); highest among the groups gnomAD compares: South Asian, 0.0011%; no homozygotes.

Submissions (2):

Labcorp Genetics (formerly Invitae), Labcorp
Classification: Uncertain significance for Lethal multiple pterygium syndrome. Last evaluated: 2025-03-05. Review status: criteria provided, single submitter. Criteria: Invitae Variant Classification Sherloc (09022015). Collection method: clinical testing. Allele origin: germline.
Comment: This sequence change replaces valine, which is neutral and non-polar, with phenylalanine, which is neutral and non-polar, at codon 335 of the CHRNA1 protein (p.Val335Phe). This variant is present in population databases (rs781558501, gnomAD 0.003%). This variant has not been reported in the literature in individuals affected with CHRNA1-related conditions. ClinVar contains an entry for this variant (Variation ID: 2584890). An algorithm developed to predict the effect of missense changes on protein structure and function (PolyPhen-2) suggests that this variant is likely to be disruptive. Algorithms developed to predict the effect of sequence changes on RNA splicing suggest that this variant may disrupt the consensus splice site. In summary, the available evidence is currently insufficient to determine the role of this variant in disease. Therefore, it has been classified as a Variant of Uncertain Significance.

Neuberg Centre For Genomic Medicine, NCGM
Classification: Uncertain significance for Myasthenic syndrome, congenital, 1A, slow-channel. Review status: criteria provided, single submitter. Criteria: ACMG Guidelines, 2015. Collection method: clinical testing. Allele origin: germline. Inheritance: Autosomal dominant inheritance. Affected: yes.
Comment: The missense variant c.1003G>T (p.Val335Phe) in CHRNA1 gene has not been reported previously as a pathogenic variant nor as a benign variant, to our knowledge. The p.Val335Phe variant has allele frequency 0.0003% in gnomAD exomes and novel (not in any individuals) in 1000 Genomes. This variant has not been reported to the ClinVar database. The amino acid Val at position 335 is changed to a Phe changing protein sequence and it might alter its composition and physico-chemical properties. The amino acid change p.Val335Phe in CHRNA1 is predicted as conserved by GERP++ and PhyloP across 100 vertebrates. For these reasons, this variant has been classified as Uncertain Significance (VUS).